The following is an entry in ClinVar:

NM_001114753.3(ENG):c.965_966del (p.Ile322fs)

Gene: ENG (endoglin; minus strand). Cytogenetic location: 9q34.11.
Variant type: Deletion.
Coding change: c.965_966del on transcript NM_001114753.3 (MANE Select); coding-DNA positions 965 to 966, 2 bases deleted (TT; older notation c.965_966delTT).
Protein change: p.Ile322fs; shifts the reading frame from isoleucine 322.
Molecular consequence: frameshift variant.
Genome position (GRCh38, 1-based): chr9:127,824,825-127,824,826, AA deleted on the plus strand (TT on the coding strand, the reverse complement: ENG is on the minus strand). VCF-style (leftmost placement, unchanged base first): chr9-127824824-CAA-C. GRCh37 (hg19) VCF-style: chr9-130587103-CAA-C.
Other names: c.965_966del, p.Ile322fs (NM_000118.4, NM_001406715.1); c.419_420del, p.Ile140fs (NM_001278138.2); c.965_966delTT (NM_001114753.1); short protein forms I140fs, I322fs.
Identifiers: ClinVar variation 2826616 (VCV002826616.4), dbSNP rs2539072710, ClinGen allele CA2695211253.

ClinVar aggregate classification (germline): Pathogenic. Review status: criteria provided, multiple submitters, no conflicts (2 of 4 stars). 2 submissions from 2 submitters: Pathogenic (2). Last evaluated 2023-12-10.

Conditions:
Hereditary hemorrhagic telangiectasia (HHT). Also called: ORW DISEASE; Osler Weber Rendu syndrome; OSLER-RENDU-WEBER DISEASE; Osler hemorrhagic telangiectasia syndrome. Identifiers: Orphanet 774, MedGen C0039445, MONDO:0019180. Disease mechanism: loss of function.
Cardiovascular phenotype. Identifiers: MedGen CN230736.

Submissions (2):

Labcorp Genetics (formerly Invitae), Labcorp
Classification: Pathogenic for Hereditary hemorrhagic telangiectasia. Last evaluated: 2023-12-10. Review status: criteria provided, single submitter. Criteria: Invitae Variant Classification Sherloc (09022015). Collection method: clinical testing. Allele origin: germline.
Comment: This sequence change creates a premature translational stop signal (p.Ile322Serfs*11) in the ENG gene. It is expected to result in an absent or disrupted protein product. Loss-of-function variants in ENG are known to be pathogenic (PMID: 15879500). This variant is not present in population databases (gnomAD no frequency). This premature translational stop signal has been observed in individual(s) with hereditary hemorrhagic telangiectasia (PMID: 34872578). For these reasons, this variant has been classified as Pathogenic.

Ambry Genetics
Classification: Pathogenic for Cardiovascular phenotype. Last evaluated: 2023-10-13. Review status: criteria provided, single submitter. Criteria: Ambry Variant Classification Scheme 2023. Collection method: clinical testing. Allele origin: germline.
Comment: The c.965_966delTT pathogenic mutation, located in coding exon 7 of the ENG gene, results from a deletion of two nucleotides at nucleotide positions 965 to 966, causing a translational frameshift with a predicted alternate stop codon (p.I322Sfs*11). This variant has been reported in an individual with hereditary hemorrhagic telangiectasia (HHT) (Kitayama K et al. BMC Med Genomics, 2021 Dec;14:288). This variant is considered to be rare based on population cohorts in the Genome Aggregation Database (gnomAD). In addition to the clinical data presented in the literature, this alteration is expected to result in loss of function by premature protein truncation or nonsense-mediated mRNA decay. As such, this alteration is interpreted as a disease-causing mutation.

Literature cited by the submitters: PubMed 15879500 (cited by Labcorp Genetics (formerly Invitae), Labcorp); PubMed 34872578 (cited by Labcorp Genetics (formerly Invitae), Labcorp and Ambry Genetics).